The following is an entry in ClinVar:

NM_000038.6(APC):c.3460del (p.Glu1154fs)

Gene: APC (APC regulator of Wnt signaling pathway; plus strand). Cytogenetic location: 5q22.2.
Variant type: Deletion.
Coding change: c.3460del on transcript NM_000038.6 (MANE Select); coding-DNA position 3460, one base deleted (G; older notation c.3460delG).
Protein change: p.Glu1154fs; shifts the reading frame from glutamic acid 1154.
Molecular consequence: frameshift variant.
Genome position (GRCh38, 1-based): chr5:112,839,054, G deleted. VCF-style (leftmost placement, unchanged base first): chr5-112839053-TG-T. GRCh37 (hg19) VCF-style: chr5-112174750-TG-T.
Other names: c.3460del, p.Glu1154fs (NM_001127510.3, NM_001354895.2); c.3406del, p.Glu1136fs (NM_001127511.3); c.3514del, p.Glu1172fs (NM_001354896.2); c.3490del, p.Glu1164fs (NM_001354897.2); c.3385del, p.Glu1129fs (NM_001354898.2); c.3376del, p.Glu1126fs (NM_001354899.2); c.3337del, p.Glu1113fs (NM_001354900.2); c.3283del, p.Glu1095fs (NM_001354901.2); and 16 more; short protein forms E1126fs, E1129fs, E1053fs, E1095fs, E1154fs, E1164fs, E871fs, E994fs.
Identifiers: ClinVar variation 2032094 (VCV002032094.4), dbSNP rs2533499913, ClinGen allele CA2580072954.

ClinVar aggregate classification (germline): Pathogenic (1 of 4 stars; one submission).

Conditions:
Familial adenomatous polyposis 1 (FAP1). Also called: POLYPOSIS, ADENOMATOUS INTESTINAL; FAMILIAL ADENOMATOUS POLYPOSIS 1, ATTENUATED. Identifiers: MedGen C2713442, MONDO:0021056, OMIM 175100. Disease mechanism: loss of function.

Submission:

Labcorp Genetics (formerly Invitae), Labcorp
Classification: Pathogenic for Familial adenomatous polyposis 1. Last evaluated: 2022-09-23. Review status: criteria provided, single submitter. Criteria: Invitae Variant Classification Sherloc (09022015). Collection method: clinical testing. Allele origin: germline.
Comment: This sequence change creates a premature translational stop signal (p.Glu1154Lysfs*11) in the APC gene. While this is not anticipated to result in nonsense mediated decay, it is expected to disrupt the last 1690 amino acid(s) of the APC protein. This variant is not present in population databases (gnomAD no frequency). This variant has not been reported in the literature in individuals affected with APC-related conditions. A different truncation (p.Tyr2645Lysfs*14) that lies downstream of this variant has been determined to be pathogenic (PMID: 9824584, 1316610, 27081525, 8381579, 22135120, Invitae). This suggests that deletion of this region of the APC protein is causative of disease. For these reasons, this variant has been classified as Pathogenic. This variant is expected to disrupt the EB1 and HDLG binding sites, which mediate interactions with the cytoskeleton (PMID: 15311282, 17293347). While functional studies have not been performed to directly test the effect on APC protein function, this suggests that disruption of the C-terminal portion of the protein is functionally important.

Literature cited by the submitters: PubMed 9824584; PubMed 1316610; PubMed 27081525; PubMed 8381579; PubMed 22135120; PubMed 15311282; PubMed 17293347.